The following is an entry in ClinVar:

NM_022168.4(IFIH1):c.1106T>C (p.Val369Ala)

Gene: IFIH1 (interferon induced with helicase C domain 1; minus strand). Cytogenetic location: 2q24.2.
Variant type: single nucleotide variant.
Coding change: c.1106T>C on transcript NM_022168.4 (MANE Select); coding-DNA position 1106, T replaced by C.
Protein change: p.Val369Ala; replaces valine 369 with alanine.
Molecular consequence: missense variant.
Genome position (GRCh38, 1-based): chr2:162,282,566, A>G on the plus strand (T>C on the coding strand, the complement: IFIH1 is on the minus strand). VCF-style: chr2-162282566-A-G. GRCh37 (hg19) VCF-style: chr2-163139076-A-G.
Other names: short protein forms V369A.
Identifiers: ClinVar variation 3753635 (VCV003753635.2).
Genomic context (GRCh38, chr2:162,282,566, plus strand): 5'-CCAATAACACGATACCATTTCTTCAAAAATGGTTGGAACTCCTTGCGGAAGAGCTGTTCA[A>G]CTAGCAGTACCTTAAAAAAATGTGAAGATTTTTTAAAAGAGAGAAAGTTAGTCGAAGCCA-3'
Protein context (NP_071451.2, residues 359-379): VIVLVNKVLL[Val369Ala]EQLFRKEFQP

ClinVar aggregate classification (germline): Uncertain significance (1 of 4 stars; one submission).

Conditions:
Singleton-Merten syndrome 1 (SGMRT1). Also called: Widened medullary cavities of bone, aortic calcification, abnormal dentition, and muscular weakness; Syndrome of widened medullary cavities of the metacarpals and phalanges, aortic calcification and abnormal dentition. Identifiers: Orphanet 85191, MedGen C4225427, MONDO:0024535, OMIM 182250.
Aicardi-Goutieres syndrome 7 (AGS7). Identifiers: Orphanet 51, MedGen C3888244, MONDO:0014367, OMIM 615846.

gnomAD v4.1: 1 of 1,604,086 alleles (0.000062%); highest among the groups gnomAD compares: South Asian, 0.0011%; no homozygotes.

Submission:

Labcorp Genetics (formerly Invitae), Labcorp
Classification: Uncertain significance for Aicardi-Goutieres syndrome 7; Singleton-Merten syndrome 1. Last evaluated: 2024-02-03. Review status: criteria provided, single submitter. Criteria: Invitae Variant Classification Sherloc (09022015). Collection method: clinical testing. Allele origin: germline.
Comment: This sequence change replaces valine, which is neutral and non-polar, with alanine, which is neutral and non-polar, at codon 369 of the IFIH1 protein (p.Val369Ala). This variant is not present in population databases (gnomAD no frequency). This variant has not been reported in the literature in individuals affected with IFIH1-related conditions. Algorithms developed to predict the effect of missense changes on protein structure and function output the following: SIFT: "Not Available"; PolyPhen-2: "Possibly Damaging"; Align-GVGD: "Not Available". The alanine amino acid residue is found in multiple mammalian species, which suggests that this missense change does not adversely affect protein function. In summary, the available evidence is currently insufficient to determine the role of this variant in disease. Therefore, it has been classified as a Variant of Uncertain Significance.